The following is an entry in ClinVar:

NM_000334.4(SCN4A):c.*304G>A

Genes: GH-LCR (growth hormone locus control region; plus strand), SCN4A (sodium voltage-gated channel alpha subunit 4; minus strand). Cytogenetic location: 17q23.3.
Variant type: single nucleotide variant.
Coding change: c.*304G>A on transcript NM_000334.4 (MANE Select); 304 bases downstream of the stop codon, G replaced by A.
Molecular consequence: 3 prime UTR variant.
Genome position (GRCh38, 1-based): chr17:63,940,467, C>T on the plus strand (G>A on the coding strand, the complement: SCN4A is on the minus strand). VCF-style: chr17-63940467-C-T. GRCh37 (hg19) VCF-style: chr17-62017827-C-T.
Identifiers: ClinVar variation 324500 (VCV000324500.5), dbSNP rs545908155, ClinGen allele CA10646438.

ClinVar aggregate classification (germline): Conflicting classifications of pathogenicity. Review status: criteria provided, conflicting classifications (1 of 4 stars). 5 submissions from 1 submitter: Uncertain significance (1); Benign (4). Last evaluated 2018-01-13.

Conditions:
Congenital myasthenic syndrome 16. Identifiers: Orphanet 590, MedGen C3280112, MONDO:0013620, OMIM 614198.
Hypokalemic periodic paralysis, type 2 (HOKPP2). Identifiers: Orphanet 681, MedGen C2750061, MONDO:0013234, OMIM 613345.
Paramyotonia congenita of Von Eulenburg. Also called: Paramyotonia Congenita; PARALYSIS PERIODICA PARAMYOTONICA; Eulenburg disease; Myotonia congenita intermittens; Von Eulenburg paramyotonia congenita. Identifiers: Orphanet 684, MedGen C0221055, MONDO:0008195, OMIM 168300. Disease mechanism: loss of function.
Hyperkalemic periodic paralysis. Also called: Familial hyperkalemic periodic paralysis; Gamstorp disease. Identifiers: Orphanet 682, MedGen C0238357, MONDO:0008224, OMIM 170500, HP:0007215.
Potassium-aggravated myotonia. Also called: Myotonia congenita, atypical, acetazolamide-responsive; MYOTONIA CONGENITA, ACETAZOLAMIDE-RESPONSIVE; MYOTONIA CONGENITA, ATYPICAL; SODIUM CHANNEL MUSCLE DISEASE. Identifiers: Orphanet 612, Orphanet 99734, Orphanet 99735, Orphanet 99736, MedGen C2931826, MONDO:0018959, OMIM 608390.

Allele frequency attached by ClinVar (database versions not stated): gnomAD 0.00025 and 0.00017; TOPMed 0.00020; gnomAD exomes 0.00071; 1000 Genomes Project 0.00120; 1000 Genomes Project 30x 0.00125.
gnomAD v4.1: 191 of 377,324 alleles (0.051%); highest among the groups gnomAD compares: East Asian, 0.74%; 1 homozygote.

Submissions (5):

Illumina Laboratory Services, Illumina
Classification: Benign for Hypokalemic periodic paralysis, type 2. Last evaluated: 2018-01-13. Review status: criteria provided, single submitter. Criteria: ICSL Variant Classification Criteria 13 December 2019. Collection method: clinical testing. Allele origin: germline.
Comment: This variant was observed in the ICSL laboratory as part of a predisposition screen in an ostensibly healthy population. It had not been previously curated by ICSL or reported in the Human Gene Mutation Database (HGMD: prior to June 1st, 2018), and was therefore a candidate for classification through an automated scoring system. Utilizing variant allele frequency, disease prevalence and penetrance estimates, and inheritance mode, an automated score was calculated to assess if this variant is too frequent to cause the disease. Based on the score and internal cut-off values, a variant classified as benign is not then subjected to further curation. The score for this variant resulted in a classification of benign for this disease.

Illumina Laboratory Services, Illumina
Classification: Benign for Potassium-aggravated myotonia. Last evaluated: 2018-01-13. Review status: criteria provided, single submitter. Criteria: ICSL Variant Classification Criteria 13 December 2019. Collection method: clinical testing. Allele origin: germline.
Comment: the same text as in the submission from Illumina Laboratory Services, Illumina above.

Illumina Laboratory Services, Illumina
Classification: Benign for Paramyotonia congenita of Von Eulenburg. Last evaluated: 2018-01-13. Review status: criteria provided, single submitter. Criteria: ICSL Variant Classification Criteria 13 December 2019. Collection method: clinical testing. Allele origin: germline.
Comment: the same text as in the submission from Illumina Laboratory Services, Illumina above.

Illumina Laboratory Services, Illumina
Classification: Uncertain significance for Congenital myasthenic syndrome 16. Last evaluated: 2018-01-13. Review status: criteria provided, single submitter. Criteria: ICSL Variant Classification Criteria 13 December 2019. Collection method: clinical testing. Allele origin: germline.

Illumina Laboratory Services, Illumina
Classification: Benign for Hyperkalemic periodic paralysis. Last evaluated: 2018-01-13. Review status: criteria provided, single submitter. Criteria: ICSL Variant Classification Criteria 13 December 2019. Collection method: clinical testing. Allele origin: germline.
Comment: the same text as in the submission from Illumina Laboratory Services, Illumina above.